The following is an entry in ClinVar:

ClinVar aggregate classification (germline): Uncertain significance (1 of 4 stars; one submission).

Conditions:
EP300-related disorder. Also called: EP300-related condition; EP300-related disorders.

Submission:

PreventionGenetics, part of Exact Sciences
Classification: Uncertain significance for EP300-related condition. Last evaluated: 2025-03-06. Review status: criteria provided, single submitter. Criteria: ACMG Guidelines, 2015. Collection method: clinical testing. Allele origin: germline.
Comment: The EP300 c.4785C>G variant is predicted to result in the amino acid substitution p.Phe1595Leu. To our knowledge, this variant has not been reported in the literature or in a large population database (gnomAD), indicating this variant is rare. An alternate nucleotide change at this amino acid position (p.Phe1595Val) has been reported in individuals with various neurodevelopmental disorders or congenital anomalies (see for example: Supplemental table 3, Retterer et al. 2016. PubMed ID: 26633542; Costain et al. 2018. PubMed ID: 29133209). The p.Phe1595Val variant has also been reported in an individual with Rubeinstein Taybi syndrome and inherited from their asymptomatic father (Supplementary table 1, Lecoquierre et al. 2019. PubMed ID: 31036916). At this time, the clinical significance of the p.Phe1595Leu variant is uncertain due to the absence of conclusive functional and genetic evidence.

NM_001429.4(EP300):c.4785C>G (p.Phe1595Leu)

Gene: EP300 (EP300 lysine acetyltransferase; plus strand). Cytogenetic location: 22q13.2.
Variant type: single nucleotide variant.
Coding change: c.4785C>G on transcript NM_001429.4 (MANE Select); coding-DNA position 4785, C replaced by G.
Protein change: p.Phe1595Leu; replaces phenylalanine 1595 with leucine.
Molecular consequence: missense variant.
Genome position (GRCh38, 1-based): chr22:41,176,252, C>G. VCF-style: chr22-41176252-C-G. GRCh37 (hg19) VCF-style: chr22-41572256-C-G.
Other names: c.4707C>G, p.Phe1569Leu (NM_001362843.2); short protein forms F1569L, F1595L.
Identifiers: ClinVar variation 4999793 (VCV004999793.1).